The following is an entry in ClinVar:

NC_000001.10:g.(?_237823265)_(237965236_?)dup

Gene: RYR2 (ryanodine receptor 2; plus strand). Cytogenetic location: 1q43.
Variant type: Duplication.
Identifiers: ClinVar variation 3247736 (VCV003247736.1).

ClinVar aggregate classification (germline): Uncertain significance (1 of 4 stars; one submission).

Conditions:
Catecholaminergic polymorphic ventricular tachycardia 1. Also called: RYR2-Related Catecholaminergic Polymorphic Ventricular Tachycardia; VENTRICULAR TACHYCARDIA, CATECHOLAMINERGIC POLYMORPHIC, 1, WITH OR WITHOUT ATRIAL DYSFUNCTION AND/OR DILATED CARDIOMYOPATHY; VENTRICULAR TACHYCARDIA, STRESS-INDUCED POLYMORPHIC 1. Identifiers: Orphanet 3286, MedGen C1631597, MONDO:0011484, OMIM 604772.

Submission:

Labcorp Genetics (formerly Invitae), Labcorp
Classification: Uncertain significance for Catecholaminergic polymorphic ventricular tachycardia 1. Last evaluated: 2023-02-02. Review status: criteria provided, single submitter. Criteria: Invitae Variant Classification Sherloc (09022015). Collection method: clinical testing. Allele origin: unknown.
Comment: This variant results in a copy number gain of the genomic region encompassing exon(s) 55-98 of the RYR2 gene. While the exact position of this variant cannot be determined from the data, sub-genic copy number gains are generally in tandem (PMID: 25640679). This variant is predicted to be in-frame, and likely preserves the integrity of the reading frame. This variant has not been reported in the literature in individuals affected with RYR2-related conditions. Experimental studies and prediction algorithms are not available or were not evaluated, and the functional significance of this variant is currently unknown. In summary, the available evidence is currently insufficient to determine the role of this variant in disease. Therefore, it has been classified as a Variant of Uncertain Significance.

Literature cited by the submitters: PubMed 25640679.